The following is an entry in ClinVar:

NM_058216.3(RAD51C):c.966-1G>C

Gene: RAD51C (RAD51 paralog C; plus strand). Cytogenetic location: 17q22.
Variant type: single nucleotide variant.
Coding change: c.966-1G>C on transcript NM_058216.3 (MANE Select); the canonical splice acceptor site of the intron before coding-DNA position 966, G replaced by C.
Molecular consequence: splice acceptor variant.
Genome position (GRCh38, 1-based): chr17:58,732,483, G>C. VCF-style: chr17-58732483-G-C. GRCh37 (hg19) VCF-style: chr17-56809844-G-C.
Identifiers: ClinVar variation 851327 (VCV000851327.17), dbSNP rs876658272, ClinGen allele CA400364826.

ClinVar aggregate classification (germline): Conflicting classifications of pathogenicity. Review status: criteria provided, conflicting classifications (1 of 4 stars). 5 submissions from 5 submitters: Likely pathogenic (1); Uncertain significance (4). Last evaluated 2025-10-10.

Conditions:
Fanconi anemia complementation group O. Also called: RAD51C-Related Fanconi Anemia. Identifiers: Orphanet 84, MedGen C3150653, MONDO:0013248, OMIM 613390.
Breast-ovarian cancer, familial, susceptibility to, 3. Also called: RAD51C-Related Breast/Ovarian Cancer. Identifiers: Orphanet 145, MedGen C3150659, MONDO:0013253, OMIM 613399.
Hereditary cancer-predisposing syndrome. Also called: Neoplastic Syndromes, Hereditary; Hereditary Cancer Syndrome; Hereditary neoplastic syndrome; Tumor predisposition. Identifiers: Orphanet 140162, MedGen C0027672, MeSH D009386, MONDO:0015356.

Allele frequency attached by ClinVar (database versions not stated): TOPMed below 0.00001; gnomAD 0.00001.
gnomAD v4.1: 1 of 1,611,910 alleles (0.000062%); highest among the groups gnomAD compares: African/African-American, 0.0013%; no homozygotes.

Submissions (5):

Myriad Genetics, Inc.
Classification: Likely pathogenic for Breast-ovarian cancer, familial, susceptibility to, 3. Last evaluated: 2025-10-10. Review status: criteria provided, single submitter. Criteria: Myriad Autosomal Dominant, Autosomal Recessive and X-Linked Classification Criteria (2023). Collection method: clinical testing. Allele origin: unknown.
Comment: This variant is considered likely pathogenic. This variant occurs within a consensus splice junction and is predicted to result in abnormal mRNA splicing of either an out-of-frame exon or an in-frame exon necessary for protein stability and/or normal function.

Women's Health and Genetics/Laboratory Corporation of America, LabCorp
Classification: Uncertain significance. Last evaluated: 2024-12-27. Review status: criteria provided, single submitter. Criteria: LabCorp Variant Classification Summary - May 2015. Collection method: clinical testing. Allele origin: germline.
Comment: Variant summary: RAD51C c.966-1G>C is located in a canonical splice-site and is predicted to affect mRNA splicing resulting in a significantly altered protein due to either exon skipping, shortening, or inclusion of intronic material. Variants that disrupt the consensus splice site are a relatively common cause of aberrant splicing and loss of RAD51C function. Several computational tools predict a significant impact on normal splicing: Three predict the variant abolishes the canonical 3' splicing acceptor site. Three predict the variant strengthens a cryptic intronic alternate 3' splicing acceptor site. At-least one functional assay reports skipping of exon 8 in 21% transcripts that would result in an out-of frame impact, while the remaining 79% of transcripts included a 3 nucleotide insertion (one amino acid) resulting from inclusion of intronic sequence with an unknown impact on protein function (Sanoguera-Miralles_2022). The variant was absent in 251358 control chromosomes. The available data on variant occurrences in the general population are insufficient to allow any conclusion about variant significance. To our knowledge, no occurrence of c.966-1G>C in individuals affected with Hereditary Breast And Ovarian Cancer Syndrome and no experimental evidence demonstrating its impact on protein function have been reported. The following publication has been ascertained in the context of this evaluation (PMID: 35740625). ClinVar contains an entry for this variant (Variation ID: 851327). Based on the evidence outlined above, the variant was classified as uncertain significance.

Labcorp Genetics (formerly Invitae), Labcorp
Classification: Uncertain significance for Fanconi anemia complementation group O. Last evaluated: 2024-08-14. Review status: criteria provided, single submitter. Criteria: Invitae Variant Classification Sherloc (09022015). Collection method: clinical testing. Allele origin: germline.
Comment: This sequence change affects an acceptor splice site in intron 7 of the RAD51C gene. It is expected to disrupt RNA splicing. Variants that disrupt the donor or acceptor splice site typically lead to a loss of protein function (PMID: 16199547), and loss-of-function variants in RAD51C are known to be pathogenic (PMID: 20400964, 21990120, 24800917, 29278735). This variant is not present in population databases (gnomAD no frequency). This variant has not been reported in the literature in individuals affected with RAD51C-related conditions. ClinVar contains an entry for this variant (Variation ID: 851327). Studies have shown that this variant is associated with altered splicing, including significant skipping of exon 8, the production of an isoform containing an in-frame insertion of 1 amino acid residue in exon 8, and low levels of the wild-type transcript. At this time it is uncertain whether the effect on protein and/or amount of abnormal transcripts is enough to cause disease PMID: 33333735). In summary, the available evidence is currently insufficient to determine the role of this variant in disease. Therefore, it has been classified as a Variant of Uncertain Significance.

Ambry Genetics
Classification: Uncertain significance for Hereditary cancer-predisposing syndrome. Last evaluated: 2023-03-21. Review status: criteria provided, single submitter. Criteria: Ambry Variant Classification Scheme 2023. Collection method: clinical testing. Allele origin: germline.
Comment: The c.966-1G>C intronic variant results from a G to C substitution one nucleotide upstream from coding exon 8 of the RAD51C gene. This nucleotide position is highly conserved in available vertebrate species. In silico splice site analysis predicts that this alteration will weaken the native splice acceptor site. RNA studies have demonstrated that this alteration results in a transcript predicted to lead to a protein with an in-frame insertion of 1 amino acid; however, the exact functional impact of the inserted amino acid is unknown at this time (Ambry internal data). Since supporting evidence is limited at this time, the clinical significance of this alteration remains unclear.

Quest Diagnostics Nichols Institute San Juan Capistrano
Classification: Uncertain significance. Last evaluated: 2022-09-15. Review status: criteria provided, single submitter. Criteria: Quest Diagnostics criteria. Collection method: clinical testing. Allele origin: unknown.
Comment: The frequency of this variant in the general population, 0.0000066 (1/152046 chromosomes), is uninformative in assessment of its pathogenicity. In the published literature, the variant has been reported to cause aberrant splicing with the creation of two alternative transcripts (PMID: 35740625 (2022)). However, the significance of these alternative transcripts and its effect on protein function has not been assessed. Further studies are required to determine the effect of aberrant splicing of RAD51C protein function. Analysis of this variant using software algorithms for the prediction of the effect of nucleotide changes on splicing yielded predictions that this variant may affect proper RAD51C mRNA splicing . Based on the available information, we are unable to determine the clinical significance of this variant.

Literature cited by the submitters: PubMed 35740625 (cited by Women's Health and Genetics/Laboratory Corporation of America, LabCorp and Quest Diagnostics Nichols Institute San Juan Capistrano); PubMed 16199547 (cited by Labcorp Genetics (formerly Invitae), Labcorp); PubMed 20400964 (cited by Labcorp Genetics (formerly Invitae), Labcorp); PubMed 21990120 (cited by Labcorp Genetics (formerly Invitae), Labcorp); PubMed 24800917 (cited by Labcorp Genetics (formerly Invitae), Labcorp); PubMed 29278735 (cited by Labcorp Genetics (formerly Invitae), Labcorp).